The following is an entry in ClinVar:

NM_001378120.1(MBD5):c.4868G>A (p.Trp1623Ter)

Gene: MBD5 (methyl-CpG binding domain protein 5; plus strand). Cytogenetic location: 2q23.1.
Variant type: single nucleotide variant.
Coding change: c.4868G>A on transcript NM_001378120.1 (MANE Select); coding-DNA position 4868, G replaced by A.
Protein change: p.Trp1623Ter; replaces tryptophan 1623 with a stop codon.
Molecular consequence: nonsense.
Genome position (GRCh38, 1-based): chr2:148,490,500, G>A. VCF-style: chr2-148490500-G-A. GRCh37 (hg19) VCF-style: chr2-149248069-G-A.
Other names: c.4169G>A, p.Trp1390Ter (NM_018328.5); short protein forms W1390*, W1623*.
Identifiers: ClinVar variation 2103894 (VCV002103894.4), dbSNP rs2470031181, ClinGen allele CA348731779.

ClinVar aggregate classification (germline): Pathogenic (1 of 4 stars; one submission).

Conditions:
Intellectual developmental disorder, autosomal dominant 1. Also called: Intellectual disability, autosomal dominant 1; MBD5 Haploinsufficiency. Identifiers: Orphanet 228402, MedGen C1969562, MONDO:0007974, OMIM 156200.

Submission:

Labcorp Genetics (formerly Invitae), Labcorp
Classification: Pathogenic for Intellectual developmental disorder, autosomal dominant 1. Last evaluated: 2022-02-27. Review status: criteria provided, single submitter. Criteria: Invitae Variant Classification Sherloc (09022015). Collection method: clinical testing. Allele origin: germline.
Comment: For these reasons, this variant has been classified as Pathogenic. This sequence change creates a premature translational stop signal (p.Trp1390*) in the MBD5 gene. It is expected to result in an absent or disrupted protein product. Loss-of-function variants in MBD5 are known to be pathogenic (PMID: 23422940, 23587880). This variant is not present in population databases (gnomAD no frequency). This variant has not been reported in the literature in individuals affected with MBD5-related conditions.

Literature cited by the submitters: PubMed 23422940; PubMed 23587880.